The following is an entry in ClinVar:

ClinVar aggregate classification (germline): Likely pathogenic (1 of 4 stars; one submission).

Submission:

Baylor Genetics
Classification: Likely pathogenic. Last evaluated: 2018-11-01. Review status: criteria provided, single submitter. Criteria: ACMG CNV Guidelines, 2011. Collection method: clinical testing. Allele origin: de novo. Observed: 1 variant allele.

GRCh37/hg19 6q22.33-23.2(chr6:129513837-132618991)

Genes: AKAP7 (A-kinase anchoring protein 7; plus strand), ARG1 (arginase 1; plus strand), ARHGAP18 (Rho GTPase activating protein 18; minus strand), CCN2 (cellular communication network factor 2; minus strand), CTAGE9 (CTAGE family member 9; minus strand) and 12 more. Cytogenetic location: 6q22.33-23.2.
Variant type: copy number loss.
Identifiers: ClinVar variation 625707 (VCV000625707.1).